The following is an entry in ClinVar:

NC_000009.11:g.(?_113509901)_(113538955_?)del

Gene: MUSK (muscle associated receptor tyrosine kinase; plus strand). Cytogenetic location: 9q31.3.
Variant type: Deletion.
Identifiers: ClinVar variation 2425379 (VCV002425379.6).

ClinVar aggregate classification (germline): Pathogenic (1 of 4 stars; one submission).

Conditions:
Congenital myasthenic syndrome 9. Also called: Myasthenic syndrome, congenital, 9, associated with acetylcholine receptor deficiency. Identifiers: Orphanet 590, MedGen C4225368, MONDO:0014587, OMIM 616325.
Fetal akinesia deformation sequence 1 (FADS1). Also called: Pena-Shokeir syndrome type I; Fetal akinesia sequence. Identifiers: Orphanet 994, MedGen C1276035, MONDO:0100101, OMIM 208150, HP:0001989.

Submission:

Labcorp Genetics (formerly Invitae), Labcorp
Classification: Pathogenic for Congenital myasthenic syndrome 9; Fetal akinesia deformation sequence 1. Last evaluated: 2021-12-11. Review status: criteria provided, single submitter. Criteria: Invitae Variant Classification Sherloc (09022015). Collection method: clinical testing. Allele origin: germline.
Comment: For these reasons, this variant has been classified as Pathogenic. This variant has not been reported in the literature in individuals affected with MUSK-related conditions. This variant is a gross deletion of the genomic region encompassing exon(s) 7-11 of the MUSK gene. This deletion is out-of-frame, and is expected to create a premature termination codon and result in an absent or disrupted protein product. Loss-of-function variants in MUSK are known to be pathogenic (PMID: 8653786, 25612909, 25695962, 25900532).

Literature cited by the submitters: PubMed 8653786; PubMed 25612909; PubMed 25695962; PubMed 25900532.